The following is an entry in ClinVar:

ClinVar aggregate classification (germline): Pathogenic. Review status: criteria provided, multiple submitters, no conflicts (2 of 4 stars). 6 submissions from 6 submitters: Pathogenic (5). 1 of the submissions does not count toward it. Last evaluated 2024-01-25.

Conditions:
CWF19L1-related disorder. Also called: CWF19L1-related condition.
Autosomal recessive spinocerebellar ataxia 17. Identifiers: Orphanet 453521, MedGen C4015301, MONDO:0014503, OMIM 616127.

Allele frequency attached by ClinVar (database versions not stated): TOPMed 0.00005; ExAC 0.00007; gnomAD 0.00007; gnomAD exomes 0.00009 and 0.00014.
gnomAD v4.1: 132 of 1,608,136 alleles (0.0082%); highest among the groups gnomAD compares: Non-Finnish European, 0.0066%; no homozygotes.

Submissions (6):

3billion
Classification: Pathogenic for Autosomal recessive spinocerebellar ataxia 17. Last evaluated: 2024-01-25. Review status: criteria provided, single submitter. Criteria: ACMG Guidelines, 2015. Collection method: clinical testing. Allele origin: germline. Affected: yes.
Comment: The variant is observed at an extremely low frequency in the gnomAD v2.1.1 dataset (total allele frequency: 0.013%). Predicted Consequence/Location: Canonical splice site: predicted to alter splicing and result in a loss or disruption of normal protein function. Multiple pathogenic loss-of-function variants are reported downstream of the variant. Functional studies provide moderate evidence of the variant having a damaging effect on the gene or gene product (PMID: 25361784). The variant has been reported at least twice as pathogenic with clinical assertions and evidence for the classification (ClinVar ID: VCV000128882 /PMID: 25361784). Therefore, this variant is classified as Pathogenic according to the recommendation of ACMG/AMP guideline.

Blueprint Genetics
Classification: Pathogenic for CWF19L1-related disorders. Last evaluated: 2023-10-30. Review status: criteria provided, single submitter. Criteria: ACMG Guidelines, 2015. Collection method: clinical testing. Allele origin: germline. Affected: yes. Observed: 5 variant alleles.

GeneDx
Classification: Pathogenic. Last evaluated: 2022-06-17. Review status: criteria provided, single submitter. Criteria: GeneDx Variant Classification Process June 2021. Collection method: clinical testing. Allele origin: germline. Affected: yes.
Comment: Published functional study demonstrated loss of protein product (Burns et al., 2014); Canonical splice site variant predicted to result in a null allele in a gene for which loss of function is a known mechanism of disease; This variant is associated with the following publications: (PMID: 25361784)

Labcorp Genetics (formerly Invitae), Labcorp
Classification: Pathogenic. Last evaluated: 2018-05-17. Review status: criteria provided, single submitter. Criteria: Invitae Variant Classification Sherloc (09022015). Collection method: clinical testing. Allele origin: germline.
Comment: Donor and acceptor splice site variants typically lead to a loss of protein function (PMID: 16199547), and loss-of-function variants in CWF19L1 are known to be pathogenic (PMID: 25361784, 26197978, 27016154). This sequence change affects a donor splice site in intron 9 of the CWF19L1 gene. It is expected to disrupt RNA splicing and likely results in an absent or disrupted protein product. This variant is present in population databases (rs587780326, ExAC 0.06%). This variant has been observed to segregate with spinocerebellar ataxia in a family (PMID: 25361784). ClinVar contains an entry for this variant (Variation ID: 128882). Functional studies have shown that this variant disrupts mRNA splicing and results in reduced mRNA levels in cells derived from affected individuals (PMID: 25361784). For these reasons, this variant has been classified as Pathogenic.

Genetic Services Laboratory, University of Chicago
Classification: Pathogenic. Last evaluated: 2014-03-06. Review status: criteria provided, single submitter. Criteria: ACMG Guidelines, 2007. Collection method: clinical testing. Allele origin: germline. Inheritance: Autosomal recessive inheritance. Affected: yes.

OMIM
Classification: Pathogenic for SPINOCEREBELLAR ATAXIA, AUTOSOMAL RECESSIVE 17. Last evaluated: 2014-12-02. Review status: no assertion criteria provided. Collection method: literature only. Allele origin: germline. Not counted in ClinVar's aggregate classification.

Literature cited by the submitters: PubMed 25361784 (cited by 3 submitters); PubMed 16199547 (cited by Labcorp Genetics (formerly Invitae), Labcorp); PubMed 26197978 (cited by Labcorp Genetics (formerly Invitae), Labcorp); PubMed 27016154 (cited by Labcorp Genetics (formerly Invitae), Labcorp); PubMed 15981765 (cited by OMIM).

NM_018294.6(CWF19L1):c.964+1G>A

Gene: CWF19L1 (CWF19 like cell cycle control factor 1; minus strand). Cytogenetic location: 10q24.31.
Variant type: single nucleotide variant.
Coding change: c.964+1G>A on transcript NM_018294.6 (MANE Select); the canonical splice donor site of the intron after coding-DNA position 964, G replaced by A.
Molecular consequence: splice donor variant.
Genome position (GRCh38, 1-based): chr10:100,245,798, C>T on the plus strand (G>A on the coding strand, the complement: CWF19L1 is on the minus strand). VCF-style: chr10-100245798-C-T. GRCh37 (hg19) VCF-style: chr10-102005555-C-T.
Other names: IVS9DS, G-A, +1; c.553+1G>A (NM_001303406.2, NM_001303405.2); c.229+1G>A (NM_001303407.2); c.964+1G>A (NM_001303404.2).
Identifiers: ClinVar variation 128882 (VCV000128882.15), dbSNP rs587780326, ClinGen allele CA174930.